The following is an entry in ClinVar:

ClinVar aggregate classification (germline): Pathogenic (1 of 4 stars; one submission).

Submission:

Labcorp Genetics (formerly Invitae), Labcorp
Classification: Pathogenic. Last evaluated: 2022-05-12. Review status: criteria provided, single submitter. Criteria: Invitae Variant Classification Sherloc (09022015). Collection method: clinical testing. Allele origin: germline.
Comment: For these reasons, this variant has been classified as Pathogenic. This variant has not been reported in the literature in individuals affected with POLE-related conditions. This variant is not present in population databases (gnomAD no frequency). This sequence change creates a premature translational stop signal (p.Leu771Serfs*21) in the POLE gene. It is expected to result in an absent or disrupted protein product. Loss-of-function variants in POLE are known to be pathogenic (PMID: 23230001, 25948378, 30503519).

Literature cited by the submitters: PubMed 23230001; PubMed 25948378; PubMed 30503519.

NM_006231.4(POLE):c.2307del (p.Leu771fs)

Gene: POLE (DNA polymerase epsilon, catalytic subunit; minus strand). Cytogenetic location: 12q24.33.
Variant type: Deletion.
Coding change: c.2307del on transcript NM_006231.4 (MANE Select); coding-DNA position 2307, one base deleted (A; older notation c.2307delA).
Protein change: p.Leu771fs; shifts the reading frame from leucine 771.
Molecular consequence: frameshift variant.
Genome position (GRCh38, 1-based): chr12:132,667,515, T deleted on the plus strand (A on the coding strand, the reverse complement: POLE is on the minus strand); the first of 3 consecutive T bases (chr12:132,667,515-132,667,517); deleting any one gives the same sequence. VCF-style (leftmost placement, unchanged base first): chr12-132667514-CT-C. GRCh37 (hg19) VCF-style: chr12-133244100-CT-C.
Other names: short protein forms L771fs.
Identifiers: ClinVar variation 1361171 (VCV001361171.8), dbSNP rs2135969291, ClinGen allele CA2573148322.
Genomic context (GRCh38, chr12:132,667,514, plus strand): 5'-CTGAAACTGCCCTCACAGAGGCCAAAGCTTGCAGCCCCTCAGAGCTCACCTTGTGGAGCC[CT>C]TTGAACTCGTAACGCCTGTCCCGGAAGGCACGCACGGTGTCCACGTAGAAGGAGTTTTCC-3'